The following is an entry in ClinVar:

ClinVar aggregate classification (germline): Uncertain significance (1 of 4 stars; one submission).

Conditions:
Charcot-Marie-Tooth disease recessive intermediate C. Also called: CHARCOT-MARIE-TOOTH NEUROPATHY, RECESSIVE INTERMEDIATE C. Identifiers: Orphanet 369867, MedGen C3809309, MONDO:0014154, OMIM 615376.
Neuronopathy, distal hereditary motor, autosomal recessive 4. Also called: Autosomal recessive lower motor neuron disease with childhood onset; NEUROPATHY, DISTAL HEREDITARY MOTOR, AUTOSOMAL RECESSIVE 4. Identifiers: Orphanet 206580, MedGen C1970211, MONDO:0012608, OMIM 611067.

gnomAD v4.1: 3 of 1,613,116 alleles (0.00019%); highest among the groups gnomAD compares: Non-Finnish European, 0.00025%; no homozygotes.

Submission:

Labcorp Genetics (formerly Invitae), Labcorp
Classification: Uncertain significance for Neuronopathy, distal hereditary motor, autosomal recessive 4; Charcot-Marie-Tooth disease recessive intermediate C. Last evaluated: 2018-01-02. Review status: criteria provided, single submitter. Criteria: Invitae Variant Classification Sherloc (09022015). Collection method: clinical testing. Allele origin: germline.
Comment: This sequence change replaces arginine with lysine at codon 992 of the PLEKHG5 protein (p.Arg992Lys). The arginine residue is moderately conserved and there is a small physicochemical difference between arginine and lysine. In summary, the available evidence is currently insufficient to determine the role of this variant in disease. Therefore, it has been classified as a Variant of Uncertain Significance. Algorithms developed to predict the effect of missense changes on protein structure and function do not agree on the potential impact of this missense change (SIFT: "Tolerated"; PolyPhen-2: "Probably Damaging"; Align-GVGD: "Class C0"). This variant has not been reported in the literature in individuals with PLEKHG5-related disease. This variant is not present in population databases (ExAC no frequency).

NM_020631.6(PLEKHG5):c.2975G>A (p.Arg992Lys)

Gene: PLEKHG5 (pleckstrin homology and RhoGEF domain containing G5; minus strand). Cytogenetic location: 1p36.31.
Variant type: single nucleotide variant.
Coding change: c.2975G>A on transcript NM_020631.6 (MANE Select); coding-DNA position 2975, G replaced by A.
Protein change: p.Arg992Lys; replaces arginine 992 with lysine.
Molecular consequence: missense variant. On other transcripts: synonymous variant (1).
Genome position (GRCh38, 1-based): chr1:6,467,861, C>T on the plus strand (G>A on the coding strand, the complement: PLEKHG5 is on the minus strand). VCF-style: chr1-6467861-C-T. GRCh37 (hg19) VCF-style: chr1-6527921-C-T.
Other names: c.3086G>A, p.Arg1029Lys (NM_001042663.3, NM_001265592.2); c.2975G>A, p.Arg992Lys (NM_001042664.2, NM_001042665.2, NM_198681.4); c.3182G>A, p.Arg1061Lys (NM_001265593.2); c.2775G>A, p.Gln925= (NM_001265594.3); short protein forms R992K, R1061K, R1029K.
Identifiers: ClinVar variation 568425 (VCV000568425.9), dbSNP rs750720112, ClinGen allele CA338113493.